The following is an entry in ClinVar:

ClinVar aggregate classification (germline): Benign/Likely benign. Review status: criteria provided, multiple submitters, no conflicts (2 of 4 stars). 5 submissions from 5 submitters: Benign (3); Likely benign (2). Last evaluated 2026-09-01.

Allele frequency attached by ClinVar (database versions not stated): 1000 Genomes Project 0.00060; 1000 Genomes Project 30x 0.00109; gnomAD 0.00445 and 0.00451; gnomAD exomes 0.00452; TOPMed 0.00456; ExAC 0.02273.
gnomAD v4.1: 7,597 of 1,353,090 alleles (0.56%); highest among the groups gnomAD compares: Non-Finnish European, 0.64%; 39 homozygotes.

Submissions (5):

CeGaT Center for Human Genetics Tuebingen
Classification: Likely benign. Last evaluated: 2026-09-01. Review status: criteria provided, single submitter. Criteria: CeGaT Center For Human Genetics Tuebingen Variant Classification Criteria Version 2. Collection method: clinical testing. Allele origin: germline. Affected: yes. Observed: 31 variant alleles.
Comment: LRPPRC: BS2

Labcorp Genetics (formerly Invitae), Labcorp
Classification: Benign. Last evaluated: 2026-02-02. Review status: criteria provided, single submitter. Criteria: Invitae Variant Classification Sherloc (09022015). Collection method: clinical testing. Allele origin: germline.

Blueprint Genetics
Classification: Likely benign. Last evaluated: 2024-11-26. Review status: criteria provided, single submitter. Criteria: ACMG Guidelines, 2015. Collection method: clinical testing. Allele origin: germline.

GeneDx
Classification: Benign. Last evaluated: 2013-02-15. Review status: criteria provided, single submitter. Criteria: GeneDx Variant Classification (06012015). Collection method: clinical testing. Allele origin: germline. Affected: yes.
Comment: This variant is considered likely benign or benign based on one or more of the following criteria: it is a conservative change, it occurs at a poorly conserved position in the protein, it is predicted to be benign by multiple in silico algorithms, and/or has population frequency not consistent with disease.

Breakthrough Genomics
Classification: Benign. Review status: criteria provided, single submitter. Criteria: ACMG Guidelines, 2015. Collection method: not provided. Allele origin: germline. Inheritance: Autosomal recessive inheritance. Affected: yes.

NM_133259.4(LRPPRC):c.149+20C>G

Gene: LRPPRC (leucine rich pentatricopeptide repeat containing; minus strand). Cytogenetic location: 2p21.
Variant type: single nucleotide variant.
Coding change: c.149+20C>G on transcript NM_133259.4 (MANE Select); 20 bases into the intron after coding-DNA position 149, C replaced by G.
Molecular consequence: intron variant.
Genome position (GRCh38, 1-based): chr2:43,995,779, G>C on the plus strand (C>G on the coding strand, the complement: LRPPRC is on the minus strand). VCF-style: chr2-43995779-G-C. GRCh37 (hg19) VCF-style: chr2-44222918-G-C.
Identifiers: ClinVar variation 138152 (VCV000138152.37), dbSNP rs540850536, ClinGen allele CA291986.
Genomic context (GRCh38, chr2:43,995,779, plus strand): 5'-GACCCGGTCCCTGCCGGCACCCACGACCCCGGGGGACCCTGGCGCCGCAGCTTGCCTGGA[G>C]AAAGGGCCTGGGCACTCACCCGGCCACGGGCCCGGCGCGAGCGGCGGGCAGATAGGAGGC-3'